The following is an entry in ClinVar:

NM_023110.3(FGFR1):c.1376G>T (p.Gly459Val)

Gene: FGFR1 (fibroblast growth factor receptor 1; minus strand). Cytogenetic location: 8p11.23.
Variant type: single nucleotide variant.
Coding change: c.1376G>T on transcript NM_023110.3 (MANE Select); coding-DNA position 1376, G replaced by T.
Protein change: p.Gly459Val; replaces glycine 459 with valine.
Molecular consequence: missense variant.
Genome position (GRCh38, 1-based): chr8:38,418,282, C>A on the plus strand (G>T on the coding strand, the complement: FGFR1 is on the minus strand). VCF-style: chr8-38418282-C-A. GRCh37 (hg19) VCF-style: chr8-38275800-C-A.
Other names: c.1376G>T, p.Gly459Val (NM_000604.2); c.1370G>T, p.Gly457Val (NM_001174063.2, NM_001174065.2, NM_001354367.2 and 1 more transcripts); c.1346G>T, p.Gly449Val (NM_001174064.2); c.1109G>T, p.Gly370Val (NM_001174066.2, NM_023105.3); c.1469G>T, p.Gly490Val (NM_001174067.2); c.1097G>T, p.Gly366Val (NM_001354368.2); c.1364G>T, p.Gly455Val (NM_001354369.2, NM_001410922.1); c.1103G>T, p.Gly368Val (NM_001354370.2, NM_023106.3); short protein forms G368V, G449V, G455V, G366V, G370V, G457V, G459V, G490V.
Identifiers: ClinVar variation 2941653 (VCV002941653.3), dbSNP rs1463733617, ClinGen allele CA370733282.

ClinVar aggregate classification (germline): Uncertain significance (1 of 4 stars; one submission).

Conditions:
Hypogonadotropic hypogonadism 2 with or without anosmia (HH2). Also called: FGFR1-Related GnRH Deficiency (Kallmann Syndrome 2); HYPOGONADOTROPIC HYPOGONADISM 2 WITH OR WITHOUT ANOSMIA, SUSCEPTIBILITY TO; HYPOGONADOTROPIC HYPOGONADISM 2 WITHOUT ANOSMIA, SUSCEPTIBILITY TO; HYPOGONADOTROPIC HYPOGONADISM 2 WITHOUT ANOSMIA. Identifiers: Orphanet 478, MedGen C1563720, MONDO:0007844, OMIM 147950. Disease mechanism: loss of function.
Pfeiffer syndrome (ACS5). Also called: ACS V. Identifiers: Orphanet 710, MedGen C0220658, MONDO:0007043, OMIM 101600.

gnomAD v4.1: 1 of 1,614,202 alleles (0.000062%); no homozygotes.

Submission:

Labcorp Genetics (formerly Invitae), Labcorp
Classification: Uncertain significance for Pfeiffer syndrome; Hypogonadotropic hypogonadism 2 with or without anosmia. Last evaluated: 2023-12-20. Review status: criteria provided, single submitter. Criteria: Invitae Variant Classification Sherloc (09022015). Collection method: clinical testing. Allele origin: germline.
Comment: This sequence change replaces glycine, which is neutral and non-polar, with valine, which is neutral and non-polar, at codon 459 of the FGFR1 protein (p.Gly459Val). This variant is not present in population databases (gnomAD no frequency). This variant has not been reported in the literature in individuals affected with FGFR1-related conditions. Advanced modeling of protein sequence and biophysical properties (such as structural, functional, and spatial information, amino acid conservation, physicochemical variation, residue mobility, and thermodynamic stability) has been performed at Invitae for this missense variant, however the output from this modeling did not meet the statistical confidence thresholds required to predict the impact of this variant on FGFR1 protein function. In summary, the available evidence is currently insufficient to determine the role of this variant in disease. Therefore, it has been classified as a Variant of Uncertain Significance.